The following is an entry in ClinVar:

ClinVar aggregate classification (germline): Likely benign (1 of 4 stars; one submission).

Allele frequency attached by ClinVar (database versions not stated): gnomAD 0.01003 and 0.01039; TOPMed 0.01086; 1000 Genomes Project 0.01318; 1000 Genomes Project 30x 0.01468.
gnomAD v4.1: 3,590 of 1,245,608 alleles (0.29%); highest among the groups gnomAD compares: African/African-American, 3.3%; 64 homozygotes.

Submission:

GeneDx
Classification: Likely benign. Last evaluated: 2018-06-16. Review status: criteria provided, single submitter. Criteria: GeneDx Variant Classification (06012015). Collection method: clinical testing. Allele origin: germline. Affected: yes.
Comment: This variant is considered likely benign or benign based on one or more of the following criteria: it is a conservative change, it occurs at a poorly conserved position in the protein, it is predicted to be benign by multiple in silico algorithms, and/or has population frequency not consistent with disease.

NM_001035.3(RYR2):c.2613+89C>T

Gene: RYR2 (ryanodine receptor 2; plus strand). Cytogenetic location: 1q43.
Variant type: single nucleotide variant.
Coding change: c.2613+89C>T on transcript NM_001035.3 (MANE Select); 89 bases into the intron after coding-DNA position 2613, C replaced by T.
Molecular consequence: intron variant.
Genome position (GRCh38, 1-based): chr1:237,503,594, C>T. VCF-style: chr1-237503594-C-T. GRCh37 (hg19) VCF-style: chr1-237666894-C-T.
Identifiers: ClinVar variation 675517 (VCV000675517.1), dbSNP rs75762041, ClinGen allele CA39780752.